The following is an entry in ClinVar:

NM_001793.6(CDH3):c.1634G>T (p.Gly545Val)

Gene: CDH3 (cadherin 3; plus strand). Cytogenetic location: 16q22.1.
Variant type: single nucleotide variant.
Coding change: c.1634G>T on transcript NM_001793.6 (MANE Select); coding-DNA position 1634, G replaced by T.
Protein change: p.Gly545Val; replaces glycine 545 with valine.
Molecular consequence: missense variant.
Genome position (GRCh38, 1-based): chr16:68,687,575, G>T. VCF-style: chr16-68687575-G-T. GRCh37 (hg19) VCF-style: chr16-68721478-G-T.
Other names: c.1634G>T, p.Gly545Val (NM_001317195.3); c.1469G>T, p.Gly490Val (NM_001317196.2); short protein forms G490V, G545V.
Identifiers: ClinVar variation 1051513 (VCV001051513.9), dbSNP rs1331046437, ClinGen allele CA396454700.
Genomic context (GRCh38, chr16:68,687,575, plus strand): 5'-GCCCTCCCACCACTGGCACGGGAACCCTTCTGCTAACACTGATTGATGTCAATGACCATG[G>T]CCCAGTCCCTGAGCCCCGTCAGATCACCATCTGCAACCAAAGCCCTGTGCGCCAGGTGCT-3'
Protein context (NP_001784.2, residues 535-555): LLTLIDVNDH[Gly545Val]PVPEPRQITI

ClinVar aggregate classification (germline): Uncertain significance (1 of 4 stars; one submission).

Allele frequency attached by ClinVar (database versions not stated): gnomAD exomes below 0.00001; TOPMed below 0.00001; gnomAD 0.00001.
gnomAD v4.1: 1 of 1,613,960 alleles (0.000062%); highest among the groups gnomAD compares: Non-Finnish European, 0.000085%; no homozygotes.

Submission:

Labcorp Genetics (formerly Invitae), Labcorp
Classification: Uncertain significance. Last evaluated: 2022-10-24. Review status: criteria provided, single submitter. Criteria: Invitae Variant Classification Sherloc (09022015). Collection method: clinical testing. Allele origin: germline.
Comment: Advanced modeling of protein sequence and biophysical properties (such as structural, functional, and spatial information, amino acid conservation, physicochemical variation, residue mobility, and thermodynamic stability) performed at Invitae indicates that this missense variant is not expected to disrupt CDH3 protein function. In summary, the available evidence is currently insufficient to determine the role of this variant in disease. Therefore, it has been classified as a Variant of Uncertain Significance. ClinVar contains an entry for this variant (Variation ID: 1051513). This variant has not been reported in the literature in individuals affected with CDH3-related conditions. This variant is present in population databases (no rsID available, gnomAD 0.0009%). This sequence change replaces glycine, which is neutral and non-polar, with valine, which is neutral and non-polar, at codon 545 of the CDH3 protein (p.Gly545Val).